The following is an entry in ClinVar:

ClinVar aggregate classification (germline): Pathogenic (1 of 4 stars; one submission).

Submission:

Labcorp Genetics (formerly Invitae), Labcorp
Classification: Pathogenic. Last evaluated: 2024-01-22. Review status: criteria provided, single submitter. Criteria: Invitae Variant Classification Sherloc (09022015). Collection method: clinical testing. Allele origin: germline.
Comment: This sequence change creates a premature translational stop signal (p.Leu573Trpfs*37) in the TPO gene. It is expected to result in an absent or disrupted protein product. Loss-of-function variants in TPO are known to be pathogenic (PMID: 11061528, 23236987, 25564141). This variant is not present in population databases (gnomAD no frequency). This variant has not been reported in the literature in individuals affected with TPO-related conditions. For these reasons, this variant has been classified as Pathogenic.

Literature cited by the submitters: PubMed 11061528; PubMed 23236987; PubMed 25564141.

NM_001206744.2(TPO):c.1716del (p.Leu573fs)

Genes: LALTOP (lung cancer associated lncRNA targeting TOP2A; minus strand), TPO (thyroid peroxidase; plus strand). Cytogenetic location: 2p25.3.
Variant type: Deletion.
Coding change: c.1716del on transcript NM_001206744.2 (MANE Select); coding-DNA position 1716, one base deleted (C; older notation c.1716delC).
Protein change: p.Leu573fs; shifts the reading frame from leucine 573.
Molecular consequence: frameshift variant. On other transcripts: intron variant (2).
Genome position (GRCh38, 1-based): chr2:1,487,939, C deleted; the last of 2 consecutive C bases (chr2:1,487,938-1,487,939); deleting either gives the same sequence. VCF-style (leftmost placement, unchanged base first): chr2-1487937-AC-A. GRCh37 (hg19) VCF-style: chr2-1491709-AC-A.
Other names: c.1716del, p.Leu573fs (NM_000547.6, NM_175721.3); c.1197del, p.Leu400fs (NM_175722.3); c.1597+3085del (NM_175719.4, NM_001206745.2); short protein forms L400fs, L573fs.
Identifiers: ClinVar variation 2710840 (VCV002710840.3), dbSNP rs2546193716, ClinGen allele CA2697547790.